The following is an entry in ClinVar:

ClinVar aggregate classification (germline): Likely benign (1 of 4 stars; one submission).

gnomAD v4.1: 12 of 982,190 alleles (0.0012%); highest among the groups gnomAD compares: African/African-American, 0.002%; no homozygotes.

Submission:

CeGaT Center for Human Genetics Tuebingen
Classification: Likely benign. Last evaluated: 2025-09-01. Review status: criteria provided, single submitter. Criteria: CeGaT Center For Human Genetics Tuebingen Variant Classification Criteria Version 2. Collection method: clinical testing. Allele origin: germline. Affected: yes. Observed: 1 variant allele.
Comment: PIGA: BP4, BS2

NM_002641.4(PIGA):c.-63+8C>A

Gene: PIGA (phosphatidylinositol glycan anchor biosynthesis class A; minus strand). Cytogenetic location: Xp22.2.
Variant type: single nucleotide variant.
Coding change: c.-63+8C>A on transcript NM_002641.4 (MANE Select); 8 bases into the intron after 63 bases upstream of the start codon, C replaced by A.
Molecular consequence: intron variant.
Genome position (GRCh38, 1-based): chrX:15,335,493, G>T on the plus strand (C>A on the coding strand, the complement: PIGA is on the minus strand). VCF-style: chrX-15335493-G-T. GRCh37 (hg19) VCF-style: chrX-15353615-G-T.
Other names: c.13+8C>A (NM_020473.3, NM_001440790.1); c.-63+8C>A (NM_001440789.1).
Identifiers: ClinVar variation 4281083 (VCV004281083.7).